The following is an entry in ClinVar:

NM_000038.6(APC):c.692T>C (p.Ile231Thr)

Gene: APC (APC regulator of Wnt signaling pathway; plus strand). Cytogenetic location: 5q22.2.
Variant type: single nucleotide variant.
Coding change: c.692T>C on transcript NM_000038.6 (MANE Select); coding-DNA position 692, T replaced by C.
Protein change: p.Ile231Thr; replaces isoleucine 231 with threonine.
Molecular consequence: missense variant. On other transcripts: 5 prime UTR variant (1), intron variant (2).
Genome position (GRCh38, 1-based): chr5:112,792,492, T>C. VCF-style: chr5-112792492-T-C. GRCh37 (hg19) VCF-style: chr5-112128189-T-C.
Other names: c.692T>C, p.Ile231Thr (NM_001127510.3, NM_001354895.2, NM_001354896.2 and 1 more transcripts); c.722T>C, p.Ile241Thr (NM_001354897.2, NM_001354902.2); c.617T>C, p.Ile206Thr (NM_001354898.2, NM_001354904.2); c.515T>C, p.Ile172Thr (NM_001354900.2, NM_001354901.2, NM_001354905.2); c.-344T>C (NM_001354906.2); c.676-8787T>C (NM_001127511.3); c.646-8787T>C (NM_001354899.2); short protein forms I231T, I172T, I241T, I206T.
Identifiers: ClinVar variation 142016 (VCV000142016.3), dbSNP rs587782180, ClinGen allele CA012664.
Genomic context (GRCh38, chr5:112,792,492, plus strand): 5'-TTGTTTTATTTTAGCGAAGAATAGCCAGAATTCAGCAAATCGAAAAGGACATACTTCGTA[T>C]ACGACAGCTTTTACAGTCCCAAGCAACAGAAGCAGAGGTTAGTAAATTGCCTTTCTTGTT-3'
Protein context (NP_000029.2, residues 221-241): IQQIEKDILR[Ile231Thr]RQLLQSQATE

ClinVar aggregate classification (germline): Uncertain significance (1 of 4 stars; one submission).

Conditions:
Hereditary cancer-predisposing syndrome. Also called: Neoplastic Syndromes, Hereditary; Tumor predisposition; Hereditary Cancer Syndrome; Hereditary neoplastic syndrome. Identifiers: Orphanet 140162, MedGen C0027672, MeSH D009386, MONDO:0015356.

Submission:

Ambry Genetics
Classification: Uncertain significance for Hereditary cancer-predisposing syndrome. Last evaluated: 2013-10-30. Review status: criteria provided, single submitter. Criteria: Ambry Autosomal Dominant and X-Linked criteria (10/2015). Collection method: clinical testing. Allele origin: germline. Observed: 1 variant allele.
Comment: Ã¢â‚¬â€¹The p.I231T variant (also known as c.692T>C) is located in coding exon 6 of the APC gene. This alteration results from a T to C substitution at nucleotide position 692. The isoleucine at codon 231 is replaced by threonine, an amino acid with similar properties. This variant was not reported in population-based cohorts in the following databases: Database of Single Nucleotide Polymorphisms (dbSNP), NHLBI Exome Sequencing Project (ESP) and 1000 Genomes Project. To date, this alteration has been detected with an allele frequency of approximately 0.02% (greater than 6000 alleles tested) in our clinical cohort (includes this individual). Based on protein sequence alignment, this amino acid position is well conserved in available vertebrate species. In addition, this alteration is predicted to be benign, but deleterious by PolyPhen and SIFT in silico analyses, respectively. Since supporting evidence is limited at this time, the clinical significance of p.I231T remains unclear.